The following is an entry in ClinVar:

NM_000388.4(CASR):c.2258A>G (p.Asn753Ser)

Gene: CASR (calcium sensing receptor; plus strand). Cytogenetic location: 3q21.1.
Variant type: single nucleotide variant.
Coding change: c.2258A>G on transcript NM_000388.4 (MANE Select); coding-DNA position 2258, A replaced by G.
Protein change: p.Asn753Ser; replaces asparagine 753 with serine.
Molecular consequence: missense variant.
Genome position (GRCh38, 1-based): chr3:122,284,212, A>G. VCF-style: chr3-122284212-A-G. GRCh37 (hg19) VCF-style: chr3-122003059-A-G.
Other names: c.2288A>G, p.Asn763Ser (NM_001178065.2); short protein forms N753S, N763S.
Identifiers: ClinVar variation 960591 (VCV000960591.11), dbSNP rs2074934867, ClinGen allele CA354159199.

ClinVar aggregate classification (germline): Uncertain significance. Review status: criteria provided, multiple submitters, no conflicts (2 of 4 stars). 2 submissions from 2 submitters: Uncertain significance (2). Last evaluated 2024-07-11.

Conditions:
Autosomal dominant hypocalcemia 1 (HYPOC1). Also called: HYPOCALCEMIA, FAMILIAL. Identifiers: MedGen C3715128, MONDO:0011013, OMIM 601198.
Familial hypocalciuric hypercalcemia (FHH). Also called: Familial benign hypercalcemia. Identifiers: Orphanet 405, MedGen C1809471, MONDO:0018458.
Nephrolithiasis/nephrocalcinosis. Identifiers: MedGen CN580796.

Allele frequency attached by ClinVar (database versions not stated): gnomAD 0.00001.
gnomAD v4.1: 1 of 1,613,952 alleles (0.000062%); highest among the groups gnomAD compares: African/African-American, 0.0013%; no homozygotes.

Submissions (2):

Ambry Genetics
Classification: Uncertain significance for Nephrolithiasis/nephrocalcinosis. Last evaluated: 2024-07-11. Review status: criteria provided, single submitter. Criteria: Ambry Variant Classification Scheme 2023. Collection method: clinical testing. Allele origin: germline.
Comment: The p.N753S variant (also known as c.2258A>G), located in coding exon 6 of the CASR gene, results from an A to G substitution at nucleotide position 2258. The asparagine at codon 753 is replaced by serine, an amino acid with highly similar properties. This amino acid position is highly conserved in available vertebrate species. In addition, the in silico prediction for this alteration is inconclusive. Based on the available evidence, the clinical significance of this variant remains unclear.

Labcorp Genetics (formerly Invitae), Labcorp
Classification: Uncertain significance for Familial hypocalciuric hypercalcemia; Autosomal dominant hypocalcemia 1. Last evaluated: 2019-11-01. Review status: criteria provided, single submitter. Criteria: Invitae Variant Classification Sherloc (09022015). Collection method: clinical testing. Allele origin: germline.
Comment: This sequence change replaces asparagine with serine at codon 753 of the CASR protein (p.Asn753Ser). The asparagine residue is highly conserved and there is a small physicochemical difference between asparagine and serine. This variant is not present in population databases (ExAC no frequency). This variant has not been reported in the literature in individuals with CASR-related conditions. Algorithms developed to predict the effect of missense changes on protein structure and function are either unavailable or do not agree on the potential impact of this missense change (SIFT: "Deleterious"; PolyPhen-2: "Benign"; Align-GVGD: "Class C45"). In summary, the available evidence is currently insufficient to determine the role of this variant in disease. Therefore, it has been classified as a Variant of Uncertain Significance.